The following is an entry in ClinVar:

ClinVar aggregate classification (germline): Uncertain significance (1 of 4 stars; one submission).

Conditions:
Immunodeficiency 51 (IMD51). Also called: CANDIDIASIS, FAMILIAL, 5. Identifiers: Orphanet 1334, MedGen C4310803, MONDO:0013500, OMIM 613953.

gnomAD v4.1: 2 of 1,614,158 alleles (0.00012%); highest among the groups gnomAD compares: Non-Finnish European, 0.00017%; no homozygotes.

Submission:

Labcorp Genetics (formerly Invitae), Labcorp
Classification: Uncertain significance for Immunodeficiency 51. Last evaluated: 2025-03-18. Review status: criteria provided, single submitter. Criteria: Invitae Variant Classification Sherloc (09022015). Collection method: clinical testing. Allele origin: germline.
Comment: This sequence change replaces methionine, which is neutral and non-polar, with threonine, which is neutral and polar, at codon 240 of the IL17RA protein (p.Met240Thr). This variant is not present in population databases (gnomAD no frequency). This variant has not been reported in the literature in individuals affected with IL17RA-related conditions. ClinVar contains an entry for this variant (Variation ID: 1020795). Invitae Evidence Modeling of protein sequence and biophysical properties (such as structural, functional, and spatial information, amino acid conservation, physicochemical variation, residue mobility, and thermodynamic stability) indicates that this missense variant is not expected to disrupt IL17RA protein function with a negative predictive value of 80%. In summary, the available evidence is currently insufficient to determine the role of this variant in disease. Therefore, it has been classified as a Variant of Uncertain Significance.

NM_014339.7(IL17RA):c.719T>C (p.Met240Thr)

Gene: IL17RA (interleukin 17 receptor A; plus strand). Cytogenetic location: 22q11.1.
Variant type: single nucleotide variant.
Coding change: c.719T>C on transcript NM_014339.7 (MANE Select); coding-DNA position 719, T replaced by C.
Protein change: p.Met240Thr; replaces methionine 240 with threonine.
Molecular consequence: missense variant.
Genome position (GRCh38, 1-based): chr22:17,102,259, T>C. VCF-style: chr22-17102259-T-C. GRCh37 (hg19) VCF-style: chr22-17583149-T-C.
Other names: c.719T>C, p.Met240Thr (NM_001289905.2); short protein forms M240T.
Identifiers: ClinVar variation 1020795 (VCV001020795.8), dbSNP rs780107646, ClinGen allele CA410213152.